The following is an entry in ClinVar:

ClinVar aggregate classification (germline): Pathogenic/Likely pathogenic. Review status: criteria provided, multiple submitters, no conflicts (2 of 4 stars). 5 submissions from 5 submitters: Pathogenic (2); Likely pathogenic (3). Last evaluated 2026-01-16.

Conditions:
Retinal dystrophy. Also called: Inherited retinal dystrophy. Identifiers: Orphanet 71862, MedGen C0854723, MeSH D058499, MONDO:0019118, HP:0000556.
MAK-related disorders.
MAK-related disorder. Also called: MAK-related condition.
Retinitis pigmentosa 62 (RP62). Identifiers: Orphanet 791, MedGen C3280042, MONDO:0013611, OMIM 614181.

Allele frequency attached by ClinVar (database versions not stated): TOPMed 0.00003.

Submissions (5):

Labcorp Genetics (formerly Invitae), Labcorp
Classification: Pathogenic. Last evaluated: 2026-01-16. Review status: criteria provided, single submitter. Criteria: Invitae Variant Classification Sherloc (09022015). Collection method: clinical testing. Allele origin: germline.
Comment: This sequence change replaces glycine, which is neutral and non-polar, with arginine, which is basic and polar, at codon 27 of the MAK protein (p.Gly27Arg). This variant is present in population databases (rs754916169, gnomAD 0.006%). This missense change has been observed in individual(s) with clinical features of retinitis pigmentosa (PMID: 21835304, 25385675). In at least one individual the data is consistent with being in trans (on the opposite chromosome) from a pathogenic variant. It has also been observed to segregate with disease in related individuals. ClinVar contains an entry for this variant (Variation ID: 849391). Invitae Evidence Modeling of protein sequence and biophysical properties (such as structural, functional, and spatial information, amino acid conservation, physicochemical variation, residue mobility, and thermodynamic stability) indicates that this missense variant is expected to disrupt MAK protein function with a positive predictive value of 80%. For these reasons, this variant has been classified as Pathogenic.

PreventionGenetics, part of Exact Sciences
Classification: Likely pathogenic for MAK-related condition. Last evaluated: 2025-08-14. Review status: criteria provided, single submitter. Criteria: ACMG Guidelines, 2015. Collection method: clinical testing. Allele origin: germline.
Comment: The MAK c.79G>C variant is predicted to result in the amino acid substitution p.Gly27Arg. This variant has been reported in individuals with retinitis pigmentosa (for examples see: Table S5, Ozgül et al. 2011. PubMed ID: 21835304; Table S2, Weisschuh et al. 2020. PubMed ID: 32531858). An alternative nucleotide change resulting in the same missense substitution (c.79G>A; p.Gly27Arg) has also been reported in an individual with autosomal recessive retinitis pigmentosa (Table S4, Colombo et al. 2021. PubMed ID: 33576794). This variant is reported in 0.0054% of alleles in individuals of European (Non-Finnish) descent in gnomAD. This variant is interpreted as likely pathogenic.

Fulgent Genetics
Classification: Likely pathogenic for Retinitis pigmentosa 62. Last evaluated: 2024-01-24. Review status: criteria provided, single submitter. Criteria: ACMG Guidelines, 2015. Collection method: clinical testing. Allele origin: germline.

Blueprint Genetics
Classification: Pathogenic for MAK-related disorders. Last evaluated: 2022-11-11. Review status: criteria provided, single submitter. Criteria: ACMG Guidelines, 2015. Collection method: clinical testing. Allele origin: germline. Affected: yes. Observed: 5 variant alleles.

Institute of Human Genetics, Univ. Regensburg, Univ. Regensburg
Classification: Likely pathogenic for Retinal dystrophy. Last evaluated: 2019-01-01. Review status: criteria provided, single submitter. Criteria: ACMG Guidelines, 2015. Collection method: clinical testing. Allele origin: germline. Affected: yes.

Literature cited by the submitters: PubMed 21835304 (cited by Labcorp Genetics (formerly Invitae), Labcorp and Institute of Human Genetics, Univ. Regensburg, Univ. Regensburg); PubMed 25385675 (cited by Labcorp Genetics (formerly Invitae), Labcorp and Institute of Human Genetics, Univ. Regensburg, Univ. Regensburg); PubMed 31964843 (cited by Institute of Human Genetics, Univ. Regensburg, Univ. Regensburg); PubMed 32531858 (cited by Institute of Human Genetics, Univ. Regensburg, Univ. Regensburg); PubMed 34426522 (cited by Institute of Human Genetics, Univ. Regensburg, Univ. Regensburg).

NM_001242957.3(MAK):c.79G>C (p.Gly27Arg)

Gene: MAK (male germ cell associated kinase; minus strand). Cytogenetic location: 6p24.2.
Variant type: single nucleotide variant.
Coding change: c.79G>C on transcript NM_001242957.3 (MANE Select); coding-DNA position 79, G replaced by C.
Protein change: p.Gly27Arg; replaces glycine 27 with arginine.
Molecular consequence: missense variant. On other transcripts: non-coding transcript variant (2), intron variant (1).
Genome position (GRCh38, 1-based): chr6:10,830,570, C>G on the plus strand (G>C on the coding strand, the complement: MAK is on the minus strand). VCF-style: chr6-10830570-C-G. GRCh37 (hg19) VCF-style: chr6-10830803-C-G.
Other names: c.79G>C, p.Gly27Arg (NM_001242385.2, NM_005906.6); c.-2+7933G>C (NM_001377262.1); short protein forms G27R.
Identifiers: ClinVar variation 849391 (VCV000849391.14), dbSNP rs754916169, ClinGen allele CA3633839.